The following is an entry in ClinVar:

NM_000179.3(MSH6):c.1243C>T (p.Gln415Ter)

Gene: MSH6 (mutS homolog 6; plus strand). Cytogenetic location: 2p16.3.
Variant type: single nucleotide variant.
Coding change: c.1243C>T on transcript NM_000179.3 (MANE Select); coding-DNA position 1243, C replaced by T.
Protein change: p.Gln415Ter; replaces glutamine 415 with a stop codon.
Molecular consequence: nonsense.
Genome position (GRCh38, 1-based): chr2:47,799,226, C>T. VCF-style: chr2-47799226-C-T. GRCh37 (hg19) VCF-style: chr2-48026365-C-T.
Other names: c.853C>T, p.Gln285Ter (NM_001281492.2); c.337C>T, p.Gln113Ter (NM_001281493.2, NM_001281494.2); short protein forms Q415*, Q113*, Q285*.
Identifiers: ClinVar variation 428378 (VCV000428378.24), dbSNP rs1114167756, ClinGen allele CA346743776.

ClinVar aggregate classification (germline): Pathogenic. Review status: criteria provided, multiple submitters, no conflicts (2 of 4 stars). 6 submissions from 6 submitters: Pathogenic (6). Last evaluated 2026-10-14.

Conditions:
Hereditary cancer-predisposing syndrome. Also called: Tumor predisposition; Neoplastic Syndromes, Hereditary; Hereditary Cancer Syndrome; Hereditary neoplastic syndrome. Identifiers: Orphanet 140162, MedGen C0027672, MeSH D009386, MONDO:0015356.
Lynch syndrome 5 (LYNCH5). Also called: Colorectal cancer, hereditary nonpolyposis, type 5; Hereditary non-polyposis colorectal cancer, type 5. Identifiers: Orphanet 144, MedGen C1833477, MONDO:0013710, OMIM 614350. Disease mechanism: loss of function.
Hereditary nonpolyposis colorectal neoplasms. Identifiers: MedGen C0009405, MeSH D003123.
Lynch syndrome. Identifiers: Orphanet 144, MedGen C4552100, MONDO:0005835. Disease mechanism: loss of function.

Submissions (6):

GeneDx
Classification: Pathogenic. Last evaluated: 2026-10-14. Review status: criteria provided, single submitter. Criteria: GeneDx Variant Classification Process June 2021. Collection method: clinical testing. Allele origin: germline.
Comment: Nonsense variant predicted to result in protein truncation or nonsense mediated decay in a gene for which loss of function is a known mechanism of disease; Not observed at significant frequency in large population cohorts (gnomAD); Truncating variants in this gene are considered pathogenic by a well-established clinical consortium and/or database; This variant is associated with the following publications: (PMID: 28528517, 12019211, 21120944, 17531815)

Labcorp Genetics (formerly Invitae), Labcorp
Classification: Pathogenic for Hereditary nonpolyposis colorectal neoplasms. Last evaluated: 2025-05-05. Review status: criteria provided, single submitter. Criteria: Invitae Variant Classification Sherloc (09022015). Collection method: clinical testing. Allele origin: germline.
Comment: This sequence change creates a premature translational stop signal (p.Gln415*) in the MSH6 gene. It is expected to result in an absent or disrupted protein product. Loss-of-function variants in MSH6 are known to be pathogenic (PMID: 18269114, 24362816). This variant is not present in population databases (gnomAD no frequency). This premature translational stop signal has been observed in individual(s) with colon cancer (PMID: 28528517). ClinVar contains an entry for this variant (Variation ID: 428378). For these reasons, this variant has been classified as Pathogenic.

Myriad Genetics, Inc.
Classification: Pathogenic for Lynch syndrome 5. Last evaluated: 2023-08-11. Review status: criteria provided, single submitter. Criteria: Myriad Autosomal Dominant, Autosomal Recessive and X-Linked Classification Criteria (2023). Collection method: clinical testing. Allele origin: unknown.
Comment: This variant is considered pathogenic. This variant creates a termination codon and is predicted to result in premature protein truncation.

All of Us Research Program, National Institutes of Health
Classification: Pathogenic for Lynch syndrome. Last evaluated: 2023-06-26. Review status: criteria provided, single submitter. Criteria: ACMG Guidelines, 2015. Collection method: clinical testing. Allele origin: germline. Inheritance: Autosomal dominant inheritance. Observed: 1 variant allele, 1 heterozygote.
Comment: This variant changes 1 nucleotide in exon 4 of the MSH6 gene, creating a premature translation stop signal. This variant is expected to result in an absent or non-functional protein product. This variant has been reported in an individual with early onset colorectal cancer (PMID: 28528517). This variant has not been identified in the general population by the Genome Aggregation Database (gnomAD). Loss of MSH6 function is a known mechanism of disease. Based on the available evidence, this variant is classified as Pathogenic.

This study involves interpretation of variants in research participants for the purpose of population health screening. Participant phenotype was not available at the time of variant classification. Additional details can be found in publication PMID: 35346344, PMCID: PMC8962531

Color Diagnostics, LLC DBA Color Health
Classification: Pathogenic for Hereditary cancer-predisposing syndrome. Last evaluated: 2023-05-04. Review status: criteria provided, single submitter. Criteria: ACMG Guidelines, 2015. Collection method: clinical testing. Allele origin: germline.
Comment: This variant changes 1 nucleotide in exon 4 of the MSH6 gene, creating a premature translation stop signal. This variant is expected to result in an absent or non-functional protein product. This variant has been reported in an individual with early onset colorectal cancer (PMID: 28528517). This variant has not been identified in the general population by the Genome Aggregation Database (gnomAD). Loss of MSH6 function is a known mechanism of disease. Based on the available evidence, this variant is classified as Pathogenic.

Ambry Genetics
Classification: Pathogenic for Hereditary cancer-predisposing syndrome. Last evaluated: 2015-03-31. Review status: criteria provided, single submitter. Criteria: Ambry Variant Classification Scheme 2023. Collection method: clinical testing. Allele origin: germline.
Comment: The p.Q415* pathogenic mutation (also known as c.1243C>T) located in coding exon 4 of the MSH6 gene, results from a C to T substitution at nucleotide position 1243. This changes the amino acid from a glutamine to a stop codon within coding exon 4. Since premature stop codons are typically deleterious in nature, this alteration is interpreted as a disease-causing mutation (ACMG Recommendations for Standards for Interpretation and Reporting of Sequence Variations. Revision 2007. Genet Med. 2008;10:294).

Literature cited by the submitters: PubMed 18269114 (cited by Labcorp Genetics (formerly Invitae), Labcorp); PubMed 24362816 (cited by Labcorp Genetics (formerly Invitae), Labcorp); PubMed 28528517 (cited by 3 submitters).